The following is an entry in ClinVar:

NM_015937.6(PIGT):c.979A>C (p.Asn327His)

Gene: PIGT (phosphatidylinositol glycan anchor biosynthesis class T; plus strand). Cytogenetic location: 20q13.12.
Variant type: single nucleotide variant.
Coding change: c.979A>C on transcript NM_015937.6 (MANE Select); coding-DNA position 979, A replaced by C.
Protein change: p.Asn327His; replaces asparagine 327 with histidine.
Molecular consequence: missense variant. On other transcripts: non-coding transcript variant (5).
Genome position (GRCh38, 1-based): chr20:45,420,639, A>C. VCF-style: chr20-45420639-A-C. GRCh37 (hg19) VCF-style: chr20-44049279-A-C.
Other names: c.979A>C (NM_015937.5); c.811A>C, p.Asn271His (NM_001184728.3); c.979A>C, p.Asn327His (NM_001184729.3); c.673A>C, p.Asn225His (NM_001184730.3); short protein forms N225H, N271H, N327H.
Identifiers: ClinVar variation 2454196 (VCV002454196.4), dbSNP rs117616742, ClinGen allele CA9878119.

ClinVar aggregate classification (germline): Uncertain significance. Review status: criteria provided, multiple submitters, no conflicts (2 of 4 stars). 3 submissions from 3 submitters: Uncertain significance (3). Last evaluated 2025-12-27.

Conditions:
Inborn genetic diseases. Identifiers: MedGen C0950123, MeSH D030342.
Multiple congenital anomalies-hypotonia-seizures syndrome 3 (MCAHS3). Also called: GLYCOSYLPHOSPHATIDYLINOSITOL BIOSYNTHESIS DEFECT 7. Identifiers: Orphanet 369837, MedGen C3809356, MONDO:0014165, OMIM 615398.
PIGT-related disorder.

Allele frequency attached by ClinVar (database versions not stated): ExAC 0.00006; gnomAD 0.00009; TOPMed 0.00010; 1000 Genomes Project 0.00020; 1000 Genomes Project 30x 0.00031; gnomAD exomes 0.00035.
gnomAD v4.1: 512 of 1,613,850 alleles (0.032%); highest among the groups gnomAD compares: Non-Finnish European, 0.043%; no homozygotes.

Submissions (3):

PreventionGenetics, part of Exact Sciences
Classification: Uncertain significance for PIGT-related condition. Last evaluated: 2025-12-27. Review status: criteria provided, single submitter. Criteria: ACMG Guidelines, 2015. Collection method: clinical testing. Allele origin: germline.
Comment: The PIGT c.979A>C variant is predicted to result in the amino acid substitution p.Asn327His. To our knowledge, this variant has not been reported in the literature. This variant is reported in 0.027% of alleles in individuals of European (Non-Finnish) descent in gnomAD. At this time, the clinical significance of this variant is uncertain due to the absence of conclusive functional and genetic evidence.

Labcorp Genetics (formerly Invitae), Labcorp
Classification: Uncertain significance for Multiple congenital anomalies-hypotonia-seizures syndrome 3. Last evaluated: 2024-11-27. Review status: criteria provided, single submitter. Criteria: Invitae Variant Classification Sherloc (09022015). Collection method: clinical testing. Allele origin: germline.
Comment: This sequence change replaces asparagine, which is neutral and polar, with histidine, which is basic and polar, at codon 327 of the PIGT protein (p.Asn327His). This variant is present in population databases (rs117616742, gnomAD 0.03%). This variant has not been reported in the literature in individuals affected with PIGT-related conditions. ClinVar contains an entry for this variant (Variation ID: 2454196). Invitae Evidence Modeling of protein sequence and biophysical properties (such as structural, functional, and spatial information, amino acid conservation, physicochemical variation, residue mobility, and thermodynamic stability) indicates that this missense variant is not expected to disrupt PIGT protein function with a negative predictive value of 95%. In summary, the available evidence is currently insufficient to determine the role of this variant in disease. Therefore, it has been classified as a Variant of Uncertain Significance.

Ambry Genetics
Classification: Uncertain significance for Inborn genetic diseases. Last evaluated: 2023-03-03. Review status: criteria provided, single submitter. Criteria: Ambry Variant Classification Scheme 2023. Collection method: clinical testing. Allele origin: germline.